The following is an entry in ClinVar:

NM_022356.4(P3H1):c.1070G>A (p.Gly357Asp)

Gene: P3H1 (prolyl 3-hydroxylase 1; minus strand). Cytogenetic location: 1p34.2.
Variant type: single nucleotide variant.
Coding change: c.1070G>A on transcript NM_022356.4 (MANE Select); coding-DNA position 1070, G replaced by A.
Protein change: p.Gly357Asp; replaces glycine 357 with aspartic acid.
Molecular consequence: missense variant.
Genome position (GRCh38, 1-based): chr1:42,757,793, C>T on the plus strand (G>A on the coding strand, the complement: P3H1 is on the minus strand). VCF-style: chr1-42757793-C-T. GRCh37 (hg19) VCF-style: chr1-43223464-C-T.
Other names: c.1070G>A, p.Gly357Asp (NM_001146289.2, NM_001243246.2); short protein forms G357D.
Identifiers: ClinVar variation 4811025 (VCV004811025.1).

ClinVar aggregate classification (germline): Uncertain significance (1 of 4 stars; one submission).

Conditions:
Osteogenesis imperfecta type 8 (OI8). Identifiers: MedGen C1970458, MONDO:0012581, OMIM 610915.

Submission:

Labcorp Genetics (formerly Invitae), Labcorp
Classification: Uncertain significance for Osteogenesis imperfecta type 8. Last evaluated: 2025-05-18. Review status: criteria provided, single submitter. Criteria: Invitae Variant Classification Sherloc (09022015). Collection method: clinical testing. Allele origin: germline.
Comment: This sequence change replaces glycine, which is neutral and non-polar, with aspartic acid, which is acidic and polar, at codon 357 of the P3H1 protein (p.Gly357Asp). This variant is not present in population databases (gnomAD no frequency). This variant has not been reported in the literature in individuals affected with P3H1-related conditions. Invitae Evidence Modeling of protein sequence and biophysical properties (such as structural, functional, and spatial information, amino acid conservation, physicochemical variation, residue mobility, and thermodynamic stability) indicates that this missense variant is not expected to disrupt P3H1 protein function with a negative predictive value of 80%. In summary, the available evidence is currently insufficient to determine the role of this variant in disease. Therefore, it has been classified as a Variant of Uncertain Significance.